The following is an entry in ClinVar:

NM_153700.2(STRC):c.4510del (p.Glu1504fs)

Gene: STRC (stereocilin; minus strand). Cytogenetic location: 15q15.3.
Variant type: Deletion.
Coding change: c.4510del on transcript NM_153700.2 (MANE Select); coding-DNA position 4510, one base deleted (G; older notation c.4510delG).
Protein change: p.Glu1504fs; shifts the reading frame from glutamic acid 1504.
Molecular consequence: frameshift variant.
Genome position (GRCh38, 1-based): chr15:43,603,277, C deleted on the plus strand (G on the coding strand, the reverse complement: STRC is on the minus strand). VCF-style (leftmost placement, unchanged base first): chr15-43603276-TC-T. GRCh37 (hg19) VCF-style: chr15-43895474-TC-T.
Other names: c.4510delG (NM_153700.2); short protein forms E1504fs.
Identifiers: ClinVar variation 1325151 (VCV001325151.9), dbSNP rs759816064, ClinGen allele CA7528019.

ClinVar aggregate classification (germline): Pathogenic/Likely pathogenic. Review status: criteria provided, multiple submitters, no conflicts (2 of 4 stars). 6 submissions from 6 submitters: Pathogenic (5); Likely pathogenic (1). Last evaluated 2026-03-30.

Conditions:
STRC-related disorder. Also called: STRC-related condition.
Rare genetic deafness. Identifiers: Orphanet 96210, MedGen C5680250.
Autosomal recessive nonsyndromic hearing loss 16. Also called: DFNB16 Nonsyndromic Hearing Loss and Deafness; DEAFNESS, AUTOSOMAL RECESSIVE 16. Identifiers: Orphanet 90636, MedGen C1863561, MONDO:0011364, OMIM 603720.

Allele frequency attached by ClinVar (database versions not stated): gnomAD 0.00001; gnomAD exomes 0.00002 and 0.00004; ExAC 0.00004.

Submissions (6):

PreventionGenetics, part of Exact Sciences
Classification: Pathogenic for STRC-related condition. Last evaluated: 2026-03-30. Review status: criteria provided, single submitter. Criteria: ACMG Guidelines, 2015. Collection method: clinical testing. Allele origin: germline.
Comment: The STRC c.4510delG variant is predicted to result in a frameshift and premature protein termination (p.Glu1504Argfs*32). This variant was reported in the homozygous state and in the heterozygous state along with a full gene deletion in multiple individuals with hearing loss (Sommen et al. 2016. PubMed ID: 27068579; Elsayed et al. 2022. PubMed ID: 36056583; Perry et al. 2022. PubMed ID: 36515421). This variant is reported in 0.026% of alleles in individuals of South Asian descent in gnomAD. Frameshift variants in STRC are expected to be pathogenic. This variant is interpreted as pathogenic.

GeneDx
Classification: Pathogenic. Last evaluated: 2026-02-20. Review status: criteria provided, single submitter. Criteria: GeneDx Variant Classification Process June 2021. Collection method: clinical testing. Allele origin: germline.
Comment: Frameshift variant predicted to result in protein truncation or nonsense mediated decay in a gene for which loss of function is a known mechanism of disease; This variant is associated with the following publications: (PMID: 34426522, 36056583, 36515421, 36979683, 30758234, 27068579)

First Genomix Gene Laboratory, Genetic Diagnostics Department
Classification: Pathogenic for Autosomal recessive nonsyndromic hearing loss 16. Last evaluated: 2025-07-31. Review status: criteria provided, single submitter. Criteria: ACMG Guidelines, 2015. Collection method: clinical testing. Allele origin: germline. Inheritance: Autosomal recessive inheritance. Affected: no. Observed: 1 variant allele.

Laboratory for Molecular Medicine, Mass General Brigham Personalized Medicine
Classification: Pathogenic for Rare genetic deafness. Last evaluated: 2022-06-23. Review status: criteria provided, single submitter. Criteria: ACMG Guidelines, 2015. Collection method: clinical testing. Allele origin: germline.
Comment: The p.Glu1504ArgfsX32 variant in STRC has been reported in two individuals with nonsyndromic hearing loss, one of whom was homozygous for the variant and the other was compound heterozygous with a large deletion (Mahfood 2019 PMID: 30758234, Sommen 2016 PMID: 27068579). It has also been identified in 0.001% (1/67988) of European chromosomes by gnomAD.However, this frequency is low enough to be consistent with a recessive allele frequency. This variant is predicted to cause a frameshift, which alters the protein’s amino acid sequence beginning at position 1504 and leads to a premature termination codon 32 amino acids downstream. Loss of function of the STRC gene is an established disease mechanism in autosomal recessive nonsyndromic hearing loss. In summary, this variant meets criteria to be classified as pathogenic for autosomal recessive nonsyndromic hearing loss. ACMG/AMP Criteria applied: PVS1, PM3, PM2_Supporting.

Blueprint Genetics
Classification: Pathogenic for STRC-related disorders. Last evaluated: 2022-01-17. Review status: criteria provided, single submitter. Criteria: ACMG Guidelines, 2015. Collection method: clinical testing. Allele origin: germline. Affected: yes. Observed: 3 variant alleles.

Revvity Omics, Revvity
Classification: Likely pathogenic for Autosomal recessive nonsyndromic hearing loss 16. Last evaluated: 2020-07-10. Review status: criteria provided, single submitter. Criteria: ACMG Guidelines, 2015. Collection method: clinical testing. Allele origin: germline.